The following is an entry in ClinVar:

NM_001258371.3(ACTN3):c.34T>C (p.Cys12Arg)

Gene: ACTN3 (actinin alpha 3; plus strand). Cytogenetic location: 11q13.2.
Variant type: single nucleotide variant.
Coding change: c.34T>C on transcript NM_001258371.3; coding-DNA position 34, T replaced by C.
Protein change: p.Cys12Arg; replaces cysteine 12 with arginine.
Molecular consequence: missense variant.
Genome position (GRCh38, 1-based): chr11:66,546,544, T>C. VCF-style: chr11-66546544-T-C. GRCh37 (hg19) VCF-style: chr11-66314015-T-C.
Other names: short protein forms C12R.
Identifiers: ClinVar variation 3057224 (VCV003057224.2), dbSNP rs527798603, ClinGen allele CA6124124.

ClinVar aggregate classification (germline): Likely benign (0 of 4 stars; one submission).

Conditions:
ACTN3-related disorder. Also called: ACTN3-related condition.

Allele frequency attached by ClinVar (database versions not stated): ExAC 0.00140; 1000 Genomes Project 0.00040; gnomAD 0.00156; TOPMed 0.00133; 1000 Genomes Project 30x 0.00078; gnomAD exomes 0.00188.
gnomAD v4.1: 2,807 of 1,535,326 alleles (0.18%); highest among the groups gnomAD compares: Non-Finnish European, 0.22%; 8 homozygotes.

Submission:

PreventionGenetics, part of Exact Sciences
Classification: Likely benign for ACTN3-related condition. Last evaluated: 2022-09-13. Review status: no assertion criteria provided. Collection method: clinical testing. Allele origin: germline.
Comment: This variant is classified as likely benign based on ACMG/AMP sequence variant interpretation guidelines (Richards et al. 2015 PMID: 25741868, with internal and published modifications).